The following is an entry in ClinVar:

ClinVar aggregate classification (germline): Benign (1 of 4 stars; one submission).

gnomAD v4.1: 145 of 1,613,654 alleles (0.009%); highest among the groups gnomAD compares: South Asian, 0.096%; 1 homozygote.

Submission:

GeneDx
Classification: Benign. Last evaluated: 2021-08-20. Review status: criteria provided, single submitter. Criteria: GeneDx Variant Classification Process June 2021. Collection method: clinical testing. Allele origin: germline. Affected: yes.
Comment: This variant is associated with the following publications: (PMID: 30564305)

NM_030632.3(ASXL3):c.4531G>A (p.Val1511Ile)

Gene: ASXL3 (ASXL transcriptional regulator 3; plus strand). Cytogenetic location: 18q12.1.
Variant type: single nucleotide variant.
Coding change: c.4531G>A on transcript NM_030632.3 (MANE Select); coding-DNA position 4531, G replaced by A.
Protein change: p.Val1511Ile; replaces valine 1511 with isoleucine.
Molecular consequence: missense variant.
Genome position (GRCh38, 1-based): chr18:33,744,379, G>A. VCF-style: chr18-33744379-G-A. GRCh37 (hg19) VCF-style: chr18-31324343-G-A.
Other names: short protein forms V1511I.
Identifiers: ClinVar variation 1304709 (VCV001304709.2), dbSNP rs200748841, ClinGen allele CA8934279.